The following is an entry in ClinVar:

NM_000169.3(GLA):c.1118G>A (p.Gly373Asp)

Genes: GLA (galactosidase alpha; minus strand), RPL36A-HNRNPH2 (RPL36A-HNRNPH2 readthrough; plus strand). Cytogenetic location: Xq22.1.
Variant type: single nucleotide variant.
Coding change: c.1118G>A on transcript NM_000169.3 (MANE Select); coding-DNA position 1118, G replaced by A.
Protein change: p.Gly373Asp; replaces glycine 373 with aspartic acid.
Molecular consequence: missense variant. On other transcripts: non-coding transcript variant (3), intron variant (2).
Genome position (GRCh38, 1-based): chrX:101,397,981, C>T on the plus strand (G>A on the coding strand, the complement: GLA is on the minus strand). VCF-style: chrX-101397981-C-T. GRCh37 (hg19) VCF-style: chrX-100652969-C-T.
Other names: c.1241G>A, p.Gly414Asp (NM_001406747.1); c.300+2524C>T (NM_001199973.2); c.177+6159C>T (NM_001199974.2); short protein forms G373D, G414D.
Identifiers: ClinVar variation 222145 (VCV000222145.20), dbSNP rs869312227, ClinGen allele CA352566.
Genomic context (GRCh38, chrX:101,397,981, plus strand): 5'-TTCCTTTTCACAGGGAGGAGCTGTGTGATGAAGCAGGCAGGATTACAGGCCACTCCTTTA[C>T]CCAGGGAAGCAACTGCGATGGTATAAGAGCGAGGTCCACCAATCTCCTGCCGGTTTATCA-3'
Protein context (NP_000160.1, residues 363-383): RSYTIAVASL[Gly373Asp]KGVACNPACF

ClinVar aggregate classification (germline): Pathogenic. Review status: criteria provided, multiple submitters, no conflicts (2 of 4 stars). 10 submissions from 10 submitters: Pathogenic (10). Last evaluated 2026-09-08.

Conditions:
Fabry disease. Also called: GLA DEFICIENCY; HEREDITARY DYSTOPIC LIPIDOSIS; Fabry's disease; Angiokeratoma corporis diffusum; Ceramide trihexosidosis; ALPHA-GALACTOSIDASE A DEFICIENCY. Identifiers: Orphanet 324, MedGen C0002986, MONDO:0010526, OMIM 301500, HP:0001071. Disease mechanism: loss of function, Fabry disease is due to inactivating mutations in the X-linked GLA gene resulting in deficiency of the enzyme Alpha Galactosidase-A..

Submissions (10):

Genomenon, Inc
Classification: Pathogenic for Fabry disease. Last evaluated: 2026-09-08. Review status: criteria provided, single submitter. Criteria: Genomenon Sequence Variant Interpretation Standards - Updated. Collection method: curation. Allele origin: germline. Affected: yes.
Comment: GLA p.Gly373Asp (c.1118G>A) is a missense variant that changes the amino acid at codon 373 from Glycine to Aspartic acid. This variant has been observed in at least one proband with clinical features consistent with Fabry disease (PMID:29853467;33022387;12911529;21333496;12175777;11295840;36165155). The variant was found to segregate with disease in at least one affected family (PMID:12911529). A de novo occurrence of this variant has been observed in at least one affected individual (PMID:11295840). At least one functional study has demonstrated a substantial alteration in protein function relative to the wild-type (PMID:32023956;27657681). It is absent or not present at a significant frequency in gnomAD. In silico models predict that this variant is possibly or probably damaging. In conclusion, we classify GLA p.Gly373Asp (c.1118G>A) as a pathogenic variant.

Serv. Biochemistry and Molecular genetics, Hospital Clinic de Barcelona, Hospital Clínic de Barcelona
Classification: Pathogenic for Fabry disease. Last evaluated: 2026-05-21. Review status: criteria provided, single submitter. Criteria: ACMG Guidelines, 2015. Collection method: clinical testing. Allele origin: germline. Inheritance: X-linked inheritance. Affected: yes. Observed: 1 variant allele.
Comment: Classification reported in the manuscript using ACMG criteria/in silico tools: Pathogenic. Variant type: Missense; amino acid change: p.Gly373Asp. Criteria: PM1, PM2, PM5, PP2, PP3, PS2, PS3

Genetics Laboratory, Great Ormond Street Hospital NHS Foundation Trust, North Thames Genomic Laboratory Hub
Classification: Pathogenic for Fabry disease. Last evaluated: 2026-04-08. Review status: criteria provided, single submitter. Criteria: ACGS Best Practice Guidelines for Variant Classification in Rare Disease 2024 v1.2. Collection method: clinical testing. Allele origin: germline. Affected: yes.
Comment: PS4_moderate, PM2_moderate, PP3_supporting, PS3_supporting, PP4_strong

Revvity Omics, Revvity
Classification: Pathogenic. Last evaluated: 2025-05-20. Review status: criteria provided, single submitter. Criteria: ACMG Guidelines, 2015. Collection method: clinical testing. Allele origin: germline.

3billion
Classification: Pathogenic for Fabry disease. Last evaluated: 2024-10-15. Review status: criteria provided, single submitter. Criteria: ACMG Guidelines, 2015. Collection method: clinical testing. Allele origin: germline. Affected: yes.
Comment: The variant is not observed in the gnomAD v4.1.0 dataset. Predicted Consequence/Location: Missense variant Functional studies provide strong evidence of the variant having a damaging effect on the gene or gene product (PMID: 12175777, 23935525, 27657681). In silico tool predictions suggest damaging effect of the variant on gene or gene product [REVEL: 0.74 (>=0.6, sensitivity 0.68 and specificity 0.92); 3Cnet: 0.92 (>=0.6, sensitivity 0.72 and precision 0.9)]. The same nucleotide change resulting in the same amino acid change has been previously reported as pathogenic/likely pathogenic with strong evidence (ClinVar ID: VCV000222145 /PMID: 11295840). Different missense changes at the same codon (p.Gly373Cys, p.Gly373Ser, p.Gly373Val) have been reported as pathogenic/likely pathogenic with strong evidence (ClinVar ID: VCV000177834, VCV000928957, VCV001455444 /PMID: 7575533). Therefore, this variant is classified as Pathogenic according to the recommendation of ACMG/AMP guideline.

Labcorp Genetics (formerly Invitae), Labcorp
Classification: Pathogenic for Fabry disease. Last evaluated: 2024-05-04. Review status: criteria provided, single submitter. Criteria: Invitae Variant Classification Sherloc (09022015). Collection method: clinical testing. Allele origin: germline.
Comment: This sequence change replaces glycine, which is neutral and non-polar, with aspartic acid, which is acidic and polar, at codon 373 of the GLA protein (p.Gly373Asp). This variant is not present in population databases (gnomAD no frequency). This missense change has been observed in individual(s) with Fabry disease (PMID: 11295840). In at least one individual the variant was observed to be de novo. This variant is also known as c.1178G>A (G373D). ClinVar contains an entry for this variant (Variation ID: 222145). Advanced modeling of protein sequence and biophysical properties (such as structural, functional, and spatial information, amino acid conservation, physicochemical variation, residue mobility, and thermodynamic stability) performed at Invitae indicates that this missense variant is not expected to disrupt GLA protein function with a negative predictive value of 80%. Experimental studies have shown that this missense change affects GLA function (PMID: 23935525). This variant disrupts the p.Gly373 amino acid residue in GLA. Other variant(s) that disrupt this residue have been determined to be pathogenic (Invitae). This suggests that this residue is clinically significant, and that variants that disrupt this residue are likely to be disease-causing. For these reasons, this variant has been classified as Pathogenic.

Genome-Nilou Lab
Classification: Pathogenic for Fabry disease. Last evaluated: 2021-07-15. Review status: criteria provided, single submitter. Criteria: ACMG Guidelines, 2015. Collection method: clinical testing. Allele origin: germline. Affected: no.

Women's Health and Genetics/Laboratory Corporation of America, LabCorp
Classification: Pathogenic for Fabry disease. Last evaluated: 2019-04-23. Review status: criteria provided, single submitter. Criteria: LabCorp Variant Classification Summary - May 2015. Collection method: clinical testing. Allele origin: germline.
Comment: Variant summary: GLA c.1118G>A (p.Gly373Asp) results in a non-conservative amino acid change located in the Alpha galactosidase A, C-terminal beta-sandwich domain of the encoded protein sequence. Five of five in-silico tools predict a damaging effect of the variant on protein function. The variant was absent in 183441 control chromosomes. c.1118G>A has been reported in the literature in individuals affected with Fabry Disease, in one case as a de novo occurrence (Shabbeer_2002, Germain_2001, Yoshimitsu_2011). An in vitro study reported the variant to have absent alpha Gal A activity and was not responsive to the pharmacological chaperone 1-deoxygalactonojirimycin (DGJ) (Lukas_2013). Two ClinVar submissions from clinical diagnostic laboratories (evaluation after 2014) cites the variant as pathogenic. In addition, variants affecting the same codon, G373R, G373S, and nearby, L372R, L372P, L372Q, and A377D, have been reported in affected individuals via HGMD, therefore, suggesting the region is important for protein function. Based on the evidence outlined above, the variant was classified as pathogenic.

GeneDx
Classification: Pathogenic. Last evaluated: 2018-02-21. Review status: criteria provided, single submitter. Criteria: GeneDx Variant Classification (06012015). Collection method: clinical testing. Allele origin: germline. Affected: yes.
Comment: G373D results in a non-conservative amino acid substitution at a position that is conserved in mammalian species. In addition, in vitro functional studies show that G373D results in loss of enzyme activity (Lukas J et al., 2013). Mutations in the same residue (G373R, G373S) and in nearby residues (L372R, L372P, L372Q, A377D) have been reported in the Human Gene Mutation Database in association with Fabry disease (Stenson P et al., 2014), further supporting the functional importance of this residue and region of the protein. Furthermore, the G373D mutation was not observed in approximately 6,500 individuals of European and African American ancestry in the NHLBI Exome Sequencing Project, indicating it is not a common benign variant in these populations

Eurofins Ntd Llc (ga)
Classification: Pathogenic. Last evaluated: 2015-10-13. Review status: criteria provided, single submitter. Criteria: EGL Classification Definitions 2015. Collection method: clinical testing. Allele origin: germline.

Literature cited by the submitters: PubMed 29853467 (cited by Genomenon, Inc); PubMed 33022387 (cited by Genomenon, Inc); PubMed 12911529 (cited by Genomenon, Inc); PubMed 21333496 (cited by 3 submitters); PubMed 12175777 (cited by 4 submitters); PubMed 11295840 (cited by 5 submitters); PubMed 36165155 (cited by Genomenon, Inc); PubMed 32023956 (cited by Genomenon, Inc); PubMed 27657681 (cited by Genomenon, Inc and 3billion); PubMed 23935525 (cited by 4 submitters); PubMed 7575533 (cited by 3billion).